The following is an entry in ClinVar:

NM_005660.3(SLC35A2):c.610G>A (p.Ala204Thr)

Gene: SLC35A2 (solute carrier family 35 member A2; minus strand). Cytogenetic location: Xp11.23.
Variant type: single nucleotide variant.
Coding change: c.610G>A on transcript NM_005660.3 (MANE Select); coding-DNA position 610, G replaced by A.
Protein change: p.Ala204Thr; replaces alanine 204 with threonine.
Molecular consequence: missense variant. On other transcripts: intron variant (3).
Genome position (GRCh38, 1-based): chrX:48,905,299, C>T on the plus strand (G>A on the coding strand, the complement: SLC35A2 is on the minus strand). VCF-style: chrX-48905299-C-T. GRCh37 (hg19) VCF-style: chrX-48762576-C-T.
Other names: c.610G>A (NM_001042498.2); c.610G>A, p.Ala204Thr (NM_001042498.3); c.427G>A, p.Ala143Thr (NM_001282649.2); c.649G>A, p.Ala217Thr (NM_001282650.2); c.694G>A, p.Ala232Thr (NM_001282651.2); c.427-407G>A (NM_001282647.2, NM_001032289.3); c.355-407G>A (NM_001282648.2); short protein forms A143T, A204T, A217T, A232T.
Identifiers: ClinVar variation 1531313 (VCV001531313.10), dbSNP rs2147487234, ClinGen allele CA412895602.

ClinVar aggregate classification (germline): Conflicting classifications of pathogenicity. Review status: criteria provided, conflicting classifications (1 of 4 stars). 2 submissions from 2 submitters: Uncertain significance (1); Benign (1). Last evaluated 2025-12-16.

Conditions:
SLC35A2-related disorder. Also called: SLC35A2-related condition.
SLC35A2-congenital disorder of glycosylation. Also called: CONGENITAL DISORDER OF GLYCOSYLATION, TYPE IIm; CDG IIm; CONGENITAL DISORDER OF GLYCOSYLATION, TYPE IIm, SOMATIC MOSAIC; DEVELOPMENTAL AND EPILEPTIC ENCEPHALOPATHY 22; EPILEPTIC ENCEPHALOPATHY, EARLY INFANTILE, 22; SLC35A2-CDG. Identifiers: Orphanet 356961, MedGen C3806688, MONDO:0010478, OMIM 300896.

Submissions (2):

PreventionGenetics, part of Exact Sciences
Classification: Uncertain significance for SLC35A2-related condition. Last evaluated: 2025-12-16. Review status: criteria provided, single submitter. Criteria: ACMG Guidelines, 2015. Collection method: clinical testing. Allele origin: germline.
Comment: The SLC35A2 c.610G>A variant is predicted to result in the amino acid substitution p.Ala204Thr. To our knowledge, this variant has not been reported in the literature or in a large population database, indicating this variant is rare. At this time, the clinical significance of this variant is uncertain due to the absence of conclusive functional and genetic evidence.

Labcorp Genetics (formerly Invitae), Labcorp
Classification: Benign for SLC35A2-congenital disorder of glycosylation. Last evaluated: 2022-01-13. Review status: criteria provided, single submitter. Criteria: Invitae Variant Classification Sherloc (09022015). Collection method: clinical testing. Allele origin: germline.